The following is an entry in ClinVar:

NM_006767.4(LZTR1):c.400+3A>C

Gene: LZTR1 (leucine zipper like post translational regulator 1; plus strand). Cytogenetic location: 22q11.21.
Variant type: single nucleotide variant.
Coding change: c.400+3A>C on transcript NM_006767.4 (MANE Select); 3 bases into the intron after coding-DNA position 400, A replaced by C.
Molecular consequence: intron variant.
Genome position (GRCh38, 1-based): chr22:20,987,586, A>C. VCF-style: chr22-20987586-A-C. GRCh37 (hg19) VCF-style: chr22-21341875-A-C.
Identifiers: ClinVar variation 4101851 (VCV004101851.1).
Genomic context (GRCh38, chr22:20,987,586, plus strand): 5'-CCGGCCCCCCGTTACCACCACTCGGCCGTCGTCTATGGGAGCAGCATGTTTGTCTTTGGT[A>C]AGCAGCCTCTTGCCTCCCAGGGGCTGTGTCGCCCCGAGGCCCACAGACACCCTGCCCTTC-3'

ClinVar aggregate classification (germline): Uncertain significance (1 of 4 stars; one submission).

Conditions:
Cardiovascular phenotype. Identifiers: MedGen CN230736.
Hereditary cancer-predisposing syndrome. Also called: Tumor predisposition; Neoplastic Syndromes, Hereditary; Hereditary neoplastic syndrome; Hereditary Cancer Syndrome. Identifiers: Orphanet 140162, MedGen C0027672, MeSH D009386, MONDO:0015356.

Submission:

Ambry Genetics
Classification: Uncertain significance for Cardiovascular phenotype; Hereditary cancer-predisposing syndrome. Last evaluated: 2025-07-22. Review status: criteria provided, single submitter. Criteria: Ambry Variant Classification Scheme 2023. Collection method: clinical testing. Allele origin: germline.
Comment: The c.400+3A>C intronic variant results from an A to C substitution 3 nucleotides after coding exon 4 in the LZTR1 gene. This nucleotide position is not well conserved in available vertebrate species. In silico splice site analysis predicts that this alteration will weaken the native splice donor site. Based on the available evidence, the clinical significance of this variant remains unclear.